The following is an entry in ClinVar:

ClinVar aggregate classification (germline): Pathogenic (1 of 4 stars; one submission).

Allele frequency attached by ClinVar (database versions not stated): gnomAD 0.00001; TOPMed 0.00001; gnomAD exomes 0.00003.

Submission:

Labcorp Genetics (formerly Invitae), Labcorp
Classification: Pathogenic. Last evaluated: 2025-02-06. Review status: criteria provided, single submitter. Criteria: Invitae Variant Classification Sherloc (09022015). Collection method: clinical testing. Allele origin: germline.
Comment: This sequence change creates a premature translational stop signal (p.Arg1327*) in the ASPM gene. It is expected to result in an absent or disrupted protein product. Loss-of-function variants in ASPM are known to be pathogenic (PMID: 19028728, 23611254). This variant is present in population databases (no rsID available, gnomAD 0.03%). This premature translational stop signal has been observed in individual(s) with primary microcephaly (PMID: 22775483). ClinVar contains an entry for this variant (Variation ID: 2734068). For these reasons, this variant has been classified as Pathogenic.

Literature cited by the submitters: PubMed 19028728; PubMed 23611254; PubMed 22775483.

NM_018136.5(ASPM):c.3979C>T (p.Arg1327Ter)

Gene: ASPM (assembly factor for spindle microtubules; minus strand). Cytogenetic location: 1q31.3.
Variant type: single nucleotide variant.
Coding change: c.3979C>T on transcript NM_018136.5 (MANE Select); coding-DNA position 3979, C replaced by T.
Protein change: p.Arg1327Ter; replaces arginine 1327 with a stop codon.
Molecular consequence: nonsense.
Genome position (GRCh38, 1-based): chr1:197,117,875, G>A on the plus strand (C>T on the coding strand, the complement: ASPM is on the minus strand). VCF-style: chr1-197117875-G-A. GRCh37 (hg19) VCF-style: chr1-197087005-G-A.
Other names: c.3979C>T, p.Arg1327Ter (NM_001206846.2); short protein forms R1327*.
Identifiers: ClinVar variation 2734068 (VCV002734068.3), dbSNP rs886039310, ClinGen allele CA10588274.